The following is an entry in ClinVar:

ClinVar aggregate classification (germline): Uncertain significance (1 of 4 stars; one submission).

Conditions:
Agammaglobulinemia 2, autosomal recessive (AGM2). Also called: AGAMMAGLOBULINEMIA, AUTOSOMAL RECESSIVE, DUE TO IGLL1 DEFECT. Identifiers: MedGen C3150750, MONDO:0013287, OMIM 613500.

Submission:

Labcorp Genetics (formerly Invitae), Labcorp
Classification: Uncertain significance for Agammaglobulinemia 2, autosomal recessive. Last evaluated: 2024-01-19. Review status: criteria provided, single submitter. Criteria: Invitae Variant Classification Sherloc (09022015). Collection method: clinical testing. Allele origin: unknown.
Comment: A copy number gain of the genomic region encompassing the full coding sequence of the IGLL1 gene has been identified. The boundaries of this event are unknown as they extend beyond the assayed region for this gene and therefore may encompass additional genes. As the precise location of this event is unknown, it may be in tandem or it may be located elsewhere in the genome. This variant has not been reported in the literature in individuals affected with IGLL1-related conditions. In summary, the available evidence is currently insufficient to determine the role of this variant in disease. Therefore, it has been classified as a Variant of Uncertain Significance.

NC_000022.10:g.(?_23915453)_(23922377_?)dup

Gene: IGLL1 (immunoglobulin lambda like polypeptide 1; minus strand). Cytogenetic location: 22q11.23.
Variant type: Duplication.
Identifiers: ClinVar variation 3247929 (VCV003247929.1).